The following is an entry in ClinVar:

ClinVar aggregate classification (germline): Uncertain significance. Review status: criteria provided, multiple submitters, no conflicts (2 of 4 stars). 3 submissions from 3 submitters: Uncertain significance (3). Last evaluated 2024-11-25.

Conditions:
Hereditary cancer-predisposing syndrome. Also called: Tumor predisposition; Neoplastic Syndromes, Hereditary; Hereditary neoplastic syndrome; Hereditary Cancer Syndrome. Identifiers: Orphanet 140162, MedGen C0027672, MeSH D009386, MONDO:0015356.

Allele frequency attached by ClinVar (database versions not stated): gnomAD exomes below 0.00001.
gnomAD v4.1: 4 of 1,613,734 alleles (0.00025%); highest among the groups gnomAD compares: Non-Finnish European, 0.00034%; no homozygotes.

Submissions (3):

Labcorp Genetics (formerly Invitae), Labcorp
Classification: Uncertain significance. Last evaluated: 2024-11-25. Review status: criteria provided, single submitter. Criteria: Invitae Variant Classification Sherloc (09022015). Collection method: clinical testing. Allele origin: germline.
Comment: This sequence change replaces alanine, which is neutral and non-polar, with threonine, which is neutral and polar, at codon 838 of the MSH3 protein (p.Ala838Thr). This variant is not present in population databases (gnomAD no frequency). This variant has not been reported in the literature in individuals affected with MSH3-related conditions. ClinVar contains an entry for this variant (Variation ID: 850867). An algorithm developed to predict the effect of missense changes on protein structure and function outputs the following: PolyPhen-2: "Possibly Damaging". The threonine amino acid residue is found in multiple mammalian species, which suggests that this missense change does not adversely affect protein function. In summary, the available evidence is currently insufficient to determine the role of this variant in disease. Therefore, it has been classified as a Variant of Uncertain Significance.

GeneDx
Classification: Uncertain significance. Last evaluated: 2024-01-19. Review status: criteria provided, single submitter. Criteria: GeneDx Variant Classification Process June 2021. Collection method: clinical testing. Allele origin: germline. Affected: yes.
Comment: Not observed at significant frequency in large population cohorts (gnomAD); In silico analysis supports that this missense variant has a deleterious effect on protein structure/function; Has not been previously published as pathogenic or benign to our knowledge

Ambry Genetics
Classification: Uncertain significance for Hereditary cancer-predisposing syndrome. Last evaluated: 2024-01-13. Review status: criteria provided, single submitter. Criteria: Ambry Variant Classification Scheme 2023. Collection method: clinical testing. Allele origin: germline.
Comment: The p.A838T variant (also known as c.2512G>A), located in coding exon 18 of the MSH3 gene, results from a G to A substitution at nucleotide position 2512. The alanine at codon 838 is replaced by threonine, an amino acid with similar properties. This amino acid position is conserved. In addition, the in silico prediction for this alteration is inconclusive. Since supporting evidence is limited at this time, the clinical significance of this alteration remains unclear.

NM_002439.5(MSH3):c.2512G>A (p.Ala838Thr)

Gene: MSH3 (mutS homolog 3; plus strand). Cytogenetic location: 5q14.1.
Variant type: single nucleotide variant.
Coding change: c.2512G>A on transcript NM_002439.5 (MANE Select); coding-DNA position 2512, G replaced by A.
Protein change: p.Ala838Thr; replaces alanine 838 with threonine.
Molecular consequence: missense variant.
Genome position (GRCh38, 1-based): chr5:80,787,641, G>A. VCF-style: chr5-80787641-G-A. GRCh37 (hg19) VCF-style: chr5-80083460-G-A.
Other names: c.2512G>A (NM_002439.3); short protein forms A838T.
Identifiers: ClinVar variation 850867 (VCV000850867.9), dbSNP rs1744532828, ClinGen allele CA360283348.